The following is an entry in ClinVar:

ClinVar aggregate classification (germline): Benign (1 of 4 stars; one submission).

Conditions:
Neuropathy, hereditary sensory and autonomic, type 1C. Also called: HSAN IC; HSN IC. Identifiers: Orphanet 36386, MedGen C3150896, MONDO:0013337, OMIM 613640.

Allele frequency attached by ClinVar (database versions not stated): TOPMed 0.00554; 1000 Genomes Project 0.00559; 1000 Genomes Project 30x 0.00593.

Submission:

Illumina Laboratory Services, Illumina
Classification: Benign for Neuropathy, hereditary sensory and autonomic, type 1C. Last evaluated: 2018-01-13. Review status: criteria provided, single submitter. Criteria: ICSL Variant Classification Criteria 13 December 2019. Collection method: clinical testing. Allele origin: germline.
Comment: This variant was observed in the ICSL laboratory as part of a predisposition screen in an ostensibly healthy population. It had not been previously curated by ICSL or reported in the Human Gene Mutation Database (HGMD: prior to June 1st, 2018), and was therefore a candidate for classification through an automated scoring system. Utilizing variant allele frequency, disease prevalence and penetrance estimates, and inheritance mode, an automated score was calculated to assess if this variant is too frequent to cause the disease. Based on the score and internal cut-off values, a variant classified as benign is not then subjected to further curation. The score for this variant resulted in a classification of benign for this disease.

NM_004863.4(SPTLC2):c.*727C>T

Gene: SPTLC2 (serine palmitoyltransferase long chain base subunit 2; minus strand). Cytogenetic location: 14q24.3.
Variant type: single nucleotide variant.
Coding change: c.*727C>T on transcript NM_004863.4 (MANE Select); 727 bases downstream of the stop codon, C replaced by T.
Molecular consequence: 3 prime UTR variant.
Genome position (GRCh38, 1-based): chr14:77,511,557, G>A on the plus strand (C>T on the coding strand, the complement: SPTLC2 is on the minus strand). VCF-style: chr14-77511557-G-A. GRCh37 (hg19) VCF-style: chr14-77977900-G-A.
Identifiers: ClinVar variation 314651 (VCV000314651.5), dbSNP rs115976926, ClinGen allele CA10646396.